The following is an entry in ClinVar:

NM_001199397.3(NEK1):c.2975-303T>C

Gene: NEK1 (NIMA related kinase 1; minus strand). Cytogenetic location: 4q33.
Variant type: single nucleotide variant.
Coding change: c.2975-303T>C on transcript NM_001199397.3 (MANE Select); 303 bases into the intron before coding-DNA position 2975, T replaced by C.
Molecular consequence: intron variant.
Genome position (GRCh38, 1-based): chr4:169,425,103, A>G on the plus strand (T>C on the coding strand, the complement: NEK1 is on the minus strand). VCF-style: chr4-169425103-A-G. GRCh37 (hg19) VCF-style: chr4-170346254-A-G.
Other names: c.2492-303T>C (NM_001374421.1); c.2840-303T>C (NM_001374420.1); c.2684-303T>C (NM_001199399.3); c.2843-303T>C (NM_001199398.3); c.2891-303T>C (NM_001374419.1, NM_012224.4); c.2759-303T>C (NM_001199400.3); c.2975-303T>C (NM_001374418.1).
Identifiers: ClinVar variation 667929 (VCV000667929.1), dbSNP rs4692725, ClinGen allele CA15347937.

ClinVar aggregate classification (germline): Benign (1 of 4 stars; one submission).

Allele frequency attached by ClinVar (database versions not stated): 1000 Genomes Project 30x 0.79044; TOPMed 0.79275; 1000 Genomes Project 0.79633; gnomAD 0.79881 and 0.80582.
gnomAD v4.1: 122,535 of 152,000 alleles (81%); highest among the groups gnomAD compares: South Asian, 92%; 50,832 homozygotes.

Submission:

GeneDx
Classification: Benign. Last evaluated: 2018-06-14. Review status: criteria provided, single submitter. Criteria: GeneDx Variant Classification (06012015). Collection method: clinical testing. Allele origin: germline. Affected: yes.
Comment: This variant is considered likely benign or benign based on one or more of the following criteria: it is a conservative change, it occurs at a poorly conserved position in the protein, it is predicted to be benign by multiple in silico algorithms, and/or has population frequency not consistent with disease.